The following is an entry in ClinVar:

NM_152594.3(SPRED1):c.1025T>A (p.Phe342Tyr)

Gene: SPRED1 (sprouty related EVH1 domain containing 1; plus strand). Cytogenetic location: 15q14.
Variant type: single nucleotide variant.
Coding change: c.1025T>A on transcript NM_152594.3 (MANE Select); coding-DNA position 1025, T replaced by A.
Protein change: p.Phe342Tyr; replaces phenylalanine 342 with tyrosine.
Molecular consequence: missense variant.
Genome position (GRCh38, 1-based): chr15:38,351,354, T>A. VCF-style: chr15-38351354-T-A. GRCh37 (hg19) VCF-style: chr15-38643555-T-A.
Other names: c.1025T>A (NM_152594.2); short protein forms F342Y.
Identifiers: ClinVar variation 1362601 (VCV001362601.9), dbSNP rs1888483954, ClinGen allele CA391933821.
Genomic context (GRCh38, chr15:38,351,354, plus strand): 5'-AGTCAAAACGAAGAAAAGAGGATGGTGAACGTTCTCGCTGCGTATACTGCCAGGAAAGGT[T>A]TAATCATGAAGAAAATGTTAGGGGAAAATGTCAGGATGCTCCAGACCCTATTAAAAGATG-3'
Protein context (NP_689807.1, residues 332-352): RSRCVYCQER[Phe342Tyr]NHEENVRGKC

ClinVar aggregate classification (germline): Uncertain significance. Review status: criteria provided, multiple submitters, no conflicts (2 of 4 stars). 2 submissions from 2 submitters: Uncertain significance (2). Last evaluated 2024-08-21.

Conditions:
Legius syndrome. Identifiers: Orphanet 137605, MedGen C1969623, MONDO:0012669, OMIM 611431. Disease mechanism: loss of function.

Allele frequency attached by ClinVar (database versions not stated): TOPMed below 0.00001; gnomAD 0.00001; gnomAD exomes 0.00001.
gnomAD v4.1: 4 of 1,614,122 alleles (0.00025%); highest among the groups gnomAD compares: Non-Finnish European, 0.00034%; no homozygotes.

Submissions (2):

GeneDx
Classification: Uncertain significance. Last evaluated: 2024-08-21. Review status: criteria provided, single submitter. Criteria: GeneDx Variant Classification Process June 2021. Collection method: clinical testing. Allele origin: germline. Affected: yes.
Comment: Not observed at significant frequency in large population cohorts (gnomAD); In silico analysis supports that this missense variant does not alter protein structure/function; Has not been previously published as pathogenic or benign to our knowledge

Labcorp Genetics (formerly Invitae), Labcorp
Classification: Uncertain significance for Legius syndrome. Last evaluated: 2021-07-31. Review status: criteria provided, single submitter. Criteria: Invitae Variant Classification Sherloc (09022015). Collection method: clinical testing. Allele origin: germline.
Comment: In summary, the available evidence is currently insufficient to determine the role of this variant in disease. Therefore, it has been classified as a Variant of Uncertain Significance. Algorithms developed to predict the effect of missense changes on protein structure and function are either unavailable or do not agree on the potential impact of this missense change (SIFT: "Tolerated"; PolyPhen-2: "Probably Damaging"; Align-GVGD: "Class C0"). This variant has not been reported in the literature in individuals affected with SPRED1-related conditions. This variant is not present in population databases (ExAC no frequency). This sequence change replaces phenylalanine with tyrosine at codon 342 of the SPRED1 protein (p.Phe342Tyr). The phenylalanine residue is highly conserved and there is a small physicochemical difference between phenylalanine and tyrosine.